The following is an entry in ClinVar:

NM_182746.3(MCM4):c.153G>A (p.Met51Ile)

Gene: MCM4 (minichromosome maintenance complex component 4; plus strand). Cytogenetic location: 8q11.21.
Variant type: single nucleotide variant.
Coding change: c.153G>A on transcript NM_182746.3 (MANE Select); coding-DNA position 153, G replaced by A.
Protein change: p.Met51Ile; replaces methionine 51 with isoleucine.
Molecular consequence: missense variant.
Genome position (GRCh38, 1-based): chr8:47,961,598, G>A. VCF-style: chr8-47961598-G-A. GRCh37 (hg19) VCF-style: chr8-48874158-G-A.
Other names: c.153G>A, p.Met51Ile (NM_005914.4); short protein forms M51I.
Identifiers: ClinVar variation 1956602 (VCV001956602.4), dbSNP rs774767030, ClinGen allele CA4742197.

ClinVar aggregate classification (germline): Uncertain significance (1 of 4 stars; one submission).

Allele frequency attached by ClinVar (database versions not stated): TOPMed below 0.00001; ExAC 0.00001; gnomAD 0.00001; gnomAD exomes below 0.00001.
gnomAD v4.1: 8 of 1,614,044 alleles (0.0005%); highest among the groups gnomAD compares: Non-Finnish European, 0.00059%; no homozygotes.

Submission:

Labcorp Genetics (formerly Invitae), Labcorp
Classification: Uncertain significance. Last evaluated: 2024-07-17. Review status: criteria provided, single submitter. Criteria: Invitae Variant Classification Sherloc (09022015). Collection method: clinical testing. Allele origin: germline.
Comment: This sequence change replaces methionine, which is neutral and non-polar, with isoleucine, which is neutral and non-polar, at codon 51 of the MCM4 protein (p.Met51Ile). This variant is present in population databases (rs774767030, gnomAD 0.002%). This variant has not been reported in the literature in individuals affected with MCM4-related conditions. ClinVar contains an entry for this variant (Variation ID: 1956602). An algorithm developed to predict the effect of missense changes on protein structure and function (PolyPhen-2) suggests that this variant is likely to be tolerated. In summary, the available evidence is currently insufficient to determine the role of this variant in disease. Therefore, it has been classified as a Variant of Uncertain Significance.